The following is an entry in ClinVar:

NM_032578.4(MYPN):c.736G>A (p.Ala246Thr)

Gene: MYPN (myopalladin; plus strand). Cytogenetic location: 10q21.3.
Variant type: single nucleotide variant.
Coding change: c.736G>A on transcript NM_032578.4 (MANE Select); coding-DNA position 736, G replaced by A.
Protein change: p.Ala246Thr; replaces alanine 246 with threonine.
Molecular consequence: missense variant. On other transcripts: 5 prime UTR variant (1), non-coding transcript variant (1).
Genome position (GRCh38, 1-based): chr10:68,122,174, G>A. VCF-style: chr10-68122174-G-A. GRCh37 (hg19) VCF-style: chr10-69881931-G-A.
Other names: c.736G>A (NM_032578.2); c.736G>A, p.Ala246Thr (NM_001256267.2); c.-387G>A (NM_001256268.2); short protein forms A246T.
Identifiers: ClinVar variation 574476 (VCV000574476.6), dbSNP rs756677221, ClinGen allele CA5522322.
Genomic context (GRCh38, chr10:68,122,174, plus strand): 5'-CACGCCCTGGAACAGCAGGAAGCCAAGAGGCGTGAAGCGGAGCAGGCTGCCAGTGAGGCG[G>A]CTGGTGGAGACACTACACCAGGGTCTTCCCCTTCATCTCTGTACTATGAAGAACCTCTGG-3'
Protein context (NP_115967.2, residues 236-256): REAEQAASEA[Ala246Thr]GGDTTPGSSP

ClinVar aggregate classification (germline): Uncertain significance. Review status: criteria provided, multiple submitters, no conflicts (2 of 4 stars). 4 submissions from 4 submitters: Uncertain significance (4). Last evaluated 2025-02-07.

Conditions:
MYPN-related disorder. Also called: MYPN-related condition.
Dilated cardiomyopathy 1KK (CMD1KK). Identifiers: Orphanet 154, Orphanet 75249, MedGen C3714995, MONDO:0014100, OMIM 615248.
Cardiovascular phenotype. Identifiers: MedGen CN230736.

Allele frequency attached by ClinVar (database versions not stated): gnomAD 0.00001; ExAC 0.00002; gnomAD exomes 0.00002; TOPMed 0.00003.
gnomAD v4.1: 33 of 1,610,802 alleles (0.002%); highest among the groups gnomAD compares: East Asian, 0.0045%; no homozygotes.

Submissions (4):

PreventionGenetics, part of Exact Sciences
Classification: Uncertain significance for MYPN-related condition. Last evaluated: 2025-02-07. Review status: criteria provided, single submitter. Criteria: ACMG Guidelines, 2015. Collection method: clinical testing. Allele origin: germline.
Comment: The MYPN c.736G>A variant is predicted to result in the amino acid substitution p.Ala246Thr. To our knowledge, this variant has not been reported in the literature. This variant is reported in 0.010% of alleles in individuals of East Asian descent in gnomAD. At this time, the clinical significance of this variant is uncertain due to the absence of conclusive functional and genetic evidence.

Ambry Genetics
Classification: Uncertain significance for Cardiovascular phenotype. Last evaluated: 2024-06-28. Review status: criteria provided, single submitter. Criteria: Ambry Variant Classification Scheme 2023. Collection method: clinical testing. Allele origin: germline.
Comment: The p.A246T variant (also known as c.736G>A), located in coding exon 1 of the MYPN gene, results from a G to A substitution at nucleotide position 736. The alanine at codon 246 is replaced by threonine, an amino acid with similar properties. This amino acid position is conserved. In addition, this alteration is predicted to be tolerated by in silico analysis. Based on the available evidence, the clinical significance of this variant remains unclear.

GeneDx
Classification: Uncertain significance. Last evaluated: 2024-01-03. Review status: criteria provided, single submitter. Criteria: GeneDx Variant Classification Process June 2021. Collection method: clinical testing. Allele origin: germline. Affected: yes.
Comment: Has not been previously published as pathogenic or benign to our knowledge; Not observed at significant frequency in large population cohorts (gnomAD); In silico analysis supports that this missense variant does not alter protein structure/function

Labcorp Genetics (formerly Invitae), Labcorp
Classification: Uncertain significance for Dilated cardiomyopathy 1KK. Last evaluated: 2022-07-11. Review status: criteria provided, single submitter. Criteria: Invitae Variant Classification Sherloc (09022015). Collection method: clinical testing. Allele origin: germline.
Comment: This sequence change replaces alanine, which is neutral and non-polar, with threonine, which is neutral and polar, at codon 246 of the MYPN protein (p.Ala246Thr). This variant is present in population databases (rs756677221, gnomAD 0.01%). This variant has not been reported in the literature in individuals affected with MYPN-related conditions. ClinVar contains an entry for this variant (Variation ID: 574476). Algorithms developed to predict the effect of missense changes on protein structure and function output the following: SIFT: "Tolerated"; PolyPhen-2: "Benign"; Align-GVGD: "Class C0". The threonine amino acid residue is found in multiple mammalian species, which suggests that this missense change does not adversely affect protein function. In summary, the available evidence is currently insufficient to determine the role of this variant in disease. Therefore, it has been classified as a Variant of Uncertain Significance.